The following is an entry in ClinVar:

ClinVar aggregate classification (germline): Uncertain significance (1 of 4 stars; one submission).

gnomAD v4.1: 15 of 1,614,090 alleles (0.00093%); highest among the groups gnomAD compares: South Asian, 0.016%; no homozygotes.

Submission:

Labcorp Genetics (formerly Invitae), Labcorp
Classification: Uncertain significance. Last evaluated: 2025-08-18. Review status: criteria provided, single submitter. Criteria: Invitae Variant Classification Sherloc (09022015). Collection method: clinical testing. Allele origin: germline.
Comment: This sequence change replaces glutamic acid, which is acidic and polar, with alanine, which is neutral and non-polar, at codon 200 of the SERPINB8 protein (p.Glu200Ala). This variant is present in population databases (rs761449557, gnomAD 0.01%). This variant has not been reported in the literature in individuals affected with SERPINB8-related conditions. Invitae Evidence Modeling of protein sequence and biophysical properties (such as structural, functional, and spatial information, amino acid conservation, physicochemical variation, residue mobility, and thermodynamic stability) indicates that this missense variant is not expected to disrupt SERPINB8 protein function with a negative predictive value of 80%. In summary, the available evidence is currently insufficient to determine the role of this variant in disease. Therefore, it has been classified as a Variant of Uncertain Significance.

NM_002640.4(SERPINB8):c.599A>C (p.Glu200Ala)

Gene: SERPINB8 (serpin family B member 8; plus strand). Cytogenetic location: 18q22.1.
Variant type: single nucleotide variant.
Coding change: c.599A>C on transcript NM_002640.4 (MANE Select); coding-DNA position 599, A replaced by C.
Protein change: p.Glu200Ala; replaces glutamic acid 200 with alanine.
Molecular consequence: missense variant. On other transcripts: non-coding transcript variant (1).
Genome position (GRCh38, 1-based): chr18:63,985,124, A>C. VCF-style: chr18-63985124-A-C. GRCh37 (hg19) VCF-style: chr18-61652358-A-C.
Other names: c.599A>C, p.Glu200Ala (NM_001031848.2, NM_001348367.2, NM_001348368.2 and 3 more transcripts); c.53A>C, p.Glu18Ala (NM_001276490.2); c.59A>C, p.Glu20Ala (NM_001348370.2); short protein forms E18A, E20A, E200A.
Identifiers: ClinVar variation 4762411 (VCV004762411.1).
Genomic context (GRCh38, chr18:63,985,124, plus strand): 5'-CAGTAATCGAACTTTAATTTTTCCGTTAGGAAAAAAAGACAGTGCAGATGATGTTTAAGG[A>C]AGCTAAGTTTAAAATGGGGTATGCGGATGAGGTACACACCCAGGTCCTGGAGCTGCCCTA-3'
Protein context (NP_002631.3, residues 190-210): EKKTVQMMFK[Glu200Ala]AKFKMGYADE